The following is an entry in ClinVar:

ClinVar aggregate classification (germline): Uncertain significance (1 of 4 stars; one submission).

Conditions:
Hereditary thrombocytopenia and hematological cancer predisposition syndrome associated with RUNX1. Also called: Familial Platelet Disorder with Propensity to Acute Myelogenous Leukemia; Familial thrombocytopenia with propensity to acute myelogenous leukemia; PLATELET DISORDER, ASPIRIN-LIKE; RUNX1 Familial Platelet Disorder with Associated Myeloid Malignancies. Identifiers: Orphanet 71290, MedGen C1832388, MeSH C563324, MONDO:0100083, OMIM 601399.

Submission:

Labcorp Genetics (formerly Invitae), Labcorp
Classification: Uncertain significance for Hereditary thrombocytopenia and hematological cancer predisposition syndrome associated with RUNX1. Last evaluated: 2022-09-15. Review status: criteria provided, single submitter. Criteria: Invitae Variant Classification Sherloc (09022015). Collection method: clinical testing. Allele origin: germline.
Comment: This variant results in a copy number gain of the genomic region encompassing exon(s) 1-8 of the RUNX1 gene. This region includes the initiator codon of the gene. This copy number gain extends beyond the assayed region for this gene and therefore may encompass additional genes. As the precise location of this event is unknown, it may be in tandem or it may be located elsewhere in the genome. This variant has not been reported in the literature in individuals affected with RUNX1-related conditions. In summary, the available evidence is currently insufficient to determine the role of this variant in disease. Therefore, it has been classified as a Variant of Uncertain Significance.

NC_000021.8:g.(?_36171588)_(36421595_?)dup

Gene: RUNX1 (RUNX family transcription factor 1; minus strand). Cytogenetic location: 21q22.12.
Variant type: Duplication.
Identifiers: ClinVar variation 2424232 (VCV002424232.1).